The following is an entry in ClinVar:

NM_000044.6(AR):c.796G>A (p.Asp266Asn)

Gene: AR (androgen receptor; plus strand). Cytogenetic location: Xq12.
Variant type: single nucleotide variant.
Coding change: c.796G>A on transcript NM_000044.6 (MANE Select); coding-DNA position 796, G replaced by A.
Protein change: p.Asp266Asn; replaces aspartic acid 266 with asparagine.
Molecular consequence: missense variant. On other transcripts: 5 prime UTR variant (1).
Genome position (GRCh38, 1-based): chrX:67,545,942, G>A. VCF-style: chrX-67545942-G-A. GRCh37 (hg19) VCF-style: chrX-66765784-G-A.
Other names: c.-988G>A (NM_001011645.3); c.796G>A, p.Asp266Asn (NM_001348061.1, NM_001348063.1, NM_001348064.1); short protein forms D266N.
Identifiers: ClinVar variation 3907279 (VCV003907279.1).

ClinVar aggregate classification (germline): Uncertain significance (1 of 4 stars; one submission).

Submission:

Women's Health and Genetics/Laboratory Corporation of America, LabCorp
Classification: Uncertain significance. Last evaluated: 2025-06-09. Review status: criteria provided, single submitter. Criteria: LabCorp Variant Classification Summary - May 2015. Collection method: clinical testing. Allele origin: germline.
Comment: Variant summary: AR c.796G>A (p.Asp266Asn) results in a conservative amino acid change in the encoded protein sequence. Algorithms developed to predict the effect of missense changes on protein structure and function are either unavailable or do not agree on the potential impact of this missense change. The variant was absent in 183284 control chromosomes. The available data on variant occurrences in the general population are insufficient to allow any conclusion about variant significance. c.796G>A has been observed in one individual affected with disorders of sex development (Chan_2015). These data do not allow any conclusion about variant significance. To our knowledge, no experimental evidence demonstrating an impact on protein function has been reported. The following publication has been ascertained in the context of this evaluation (PMID: 26492835). No submitters have cited clinical-significance assessments for this variant to ClinVar. Based on the evidence outlined above, the variant was classified as uncertain significance.

Literature cited by the submitters: PubMed 26492835.